The following is an entry in ClinVar:

NM_201384.3(PLEC):c.3623A>C (p.Gln1208Pro)

Gene: PLEC (plectin; minus strand). Cytogenetic location: 8q24.3.
Variant type: single nucleotide variant.
Coding change: c.3623A>C on transcript NM_201384.3 (MANE Select); coding-DNA position 3623, A replaced by C.
Protein change: p.Gln1208Pro; replaces glutamine 1208 with proline.
Molecular consequence: missense variant.
Genome position (GRCh38, 1-based): chr8:143,927,543, T>G on the plus strand (A>C on the coding strand, the complement: PLEC is on the minus strand). VCF-style: chr8-143927543-T-G. GRCh37 (hg19) VCF-style: chr8-145001711-T-G.
Other names: c.3704A>C, p.Gln1235Pro (NM_000445.5); c.3581A>C, p.Gln1194Pro (NM_201378.4); c.3557A>C, p.Gln1186Pro (NM_201379.3); c.4034A>C, p.Gln1345Pro (NM_201380.4); c.3527A>C, p.Gln1176Pro (NM_201381.3); c.3623A>C, p.Gln1208Pro (NM_201382.4); c.3635A>C, p.Gln1212Pro (NM_201383.3); short protein forms Q1176P, Q1186P, Q1194P, Q1208P, Q1212P, Q1235P, Q1345P.
Identifiers: ClinVar variation 436330 (VCV000436330.10), dbSNP rs1441764984, ClinGen allele CA372565350.

ClinVar aggregate classification (germline): Uncertain significance. Review status: criteria provided, multiple submitters, no conflicts (2 of 4 stars). 3 submissions from 3 submitters: Uncertain significance (3). Last evaluated 2024-03-13.

Conditions:
Epidermolysis bullosa simplex 5B, with muscular dystrophy (EBS5B). Also called: EPIDERMOLYSIS BULLOSA SIMPLEX AND LIMB-GIRDLE MUSCULAR DYSTROPHY; Epidermolysis bullosa simplex with muscular dystrophy. Identifiers: Orphanet 257, MedGen C2931072, MONDO:0009181, OMIM 226670.
Epidermolysis bullosa simplex, Ogna type (EBS5A). Also called: Pidermolysis bullosa simplex 5A, Ogna type; EPIDERMOLYSIS BULLOSA SIMPLEX 5A, OGNA TYPE. Identifiers: Orphanet 79401, MedGen C0432317, MONDO:0007555, OMIM 131950.
Autosomal recessive limb-girdle muscular dystrophy type 2Q (LGMDR17). Also called: MUSCULAR DYSTROPHY, LIMB-GIRDLE, AUTOSOMAL RECESSIVE 17. Identifiers: Orphanet 254361, MedGen C3150989, MONDO:0013390, OMIM 613723.
Epidermolysis bullosa simplex with nail dystrophy (EBS5D). Identifiers: MedGen C4225309, MONDO:0014661, OMIM 616487.
Epidermolysis bullosa simplex 5C, with pyloric atresia (EBS5C). Also called: PLEC-Related Epidermolysis Bullosa with Pyloric Atresia; Epidermolysis bullosa simplex with pyloric atresia; PLEC1-Related Epidermolysis Bullosa with Pyloric Atresia. Identifiers: Orphanet 158684, MedGen C2677349, MONDO:0012807, OMIM 612138.

Allele frequency attached by ClinVar (database versions not stated): gnomAD 0.00001; gnomAD exomes 0.00001 and 0.00002; TOPMed 0.00001.
gnomAD v4.1: 28 of 1,596,452 alleles (0.0018%); highest among the groups gnomAD compares: Non-Finnish European, 0.0023%; no homozygotes.

Submissions (3):

Labcorp Genetics (formerly Invitae), Labcorp
Classification: Uncertain significance for Autosomal recessive limb-girdle muscular dystrophy type 2Q; Epidermolysis bullosa simplex, Ogna type; Epidermolysis bullosa simplex with nail dystrophy; Epidermolysis bullosa simplex 5C, with pyloric atresia; Epidermolysis bullosa simplex 5B, with muscular dystrophy. Last evaluated: 2024-03-13. Review status: criteria provided, single submitter. Criteria: Invitae Variant Classification Sherloc (09022015). Collection method: clinical testing. Allele origin: germline.
Comment: This sequence change replaces glutamine, which is neutral and polar, with proline, which is neutral and non-polar, at codon 1235 of the PLEC protein (p.Gln1235Pro). This variant is present in population databases (no rsID available, gnomAD 0.003%). This variant has not been reported in the literature in individuals affected with PLEC-related conditions. ClinVar contains an entry for this variant (Variation ID: 436330). Advanced modeling of protein sequence and biophysical properties (such as structural, functional, and spatial information, amino acid conservation, physicochemical variation, residue mobility, and thermodynamic stability) performed at Invitae indicates that this missense variant is not expected to disrupt PLEC protein function with a negative predictive value of 80%. In summary, the available evidence is currently insufficient to determine the role of this variant in disease. Therefore, it has been classified as a Variant of Uncertain Significance.

Revvity Omics, Revvity
Classification: Uncertain significance. Last evaluated: 2023-10-26. Review status: criteria provided, single submitter. Criteria: ACMG Guidelines, 2015. Collection method: clinical testing. Allele origin: germline.

Genetic Services Laboratory, University of Chicago
Classification: Uncertain significance. Last evaluated: 2016-06-01. Review status: criteria provided, single submitter. Criteria: ACMG Guidelines, 2015. Collection method: clinical testing. Allele origin: germline. Affected: no.